The following is an entry in ClinVar:

NM_001184.4(ATR):c.1412A>G (p.Glu471Gly)

Gene: ATR (ATR checkpoint kinase; minus strand). Cytogenetic location: 3q23.
Variant type: single nucleotide variant.
Coding change: c.1412A>G on transcript NM_001184.4 (MANE Select); coding-DNA position 1412, A replaced by G.
Protein change: p.Glu471Gly; replaces glutamic acid 471 with glycine.
Molecular consequence: missense variant. On other transcripts: intron variant (1).
Genome position (GRCh38, 1-based): chr3:142,560,392, T>C on the plus strand (A>G on the coding strand, the complement: ATR is on the minus strand). VCF-style: chr3-142560392-T-C. GRCh37 (hg19) VCF-style: chr3-142279234-T-C.
Other names: c.1349+851A>G (NM_001354579.2); short protein forms E471G.
Identifiers: ClinVar variation 844634 (VCV000844634.9), dbSNP rs2034832831, ClinGen allele CA354822949.

ClinVar aggregate classification (germline): Uncertain significance (1 of 4 stars; one submission).

Submission:

Labcorp Genetics (formerly Invitae), Labcorp
Classification: Uncertain significance. Last evaluated: 2019-12-11. Review status: criteria provided, single submitter. Criteria: Invitae Variant Classification Sherloc (09022015). Collection method: clinical testing. Allele origin: germline.
Comment: In summary, the available evidence is currently insufficient to determine the role of this variant in disease. Therefore, it has been classified as a Variant of Uncertain Significance. Algorithms developed to predict the effect of missense changes on protein structure and function (SIFT, PolyPhen-2, Align-GVGD) all suggest that this variant is likely to be tolerated, but these predictions have not been confirmed by published functional studies and their clinical significance is uncertain. This variant has not been reported in the literature in individuals with ATR-related conditions. This variant is not present in population databases (ExAC no frequency). This sequence change replaces glutamic acid with glycine at codon 471 of the ATR protein (p.Glu471Gly). The glutamic acid residue is weakly conserved and there is a moderate physicochemical difference between glutamic acid and glycine.